The following is an entry in ClinVar:

ClinVar aggregate classification (germline): Pathogenic. Review status: no assertion criteria provided (0 of 4 stars). 2 submissions from 2 submitters: Pathogenic (2). Last evaluated 2009-09-01.

Conditions:
Microcephaly 1, primary, autosomal recessive (MCPH1). Also called: PREMATURE CHROMOSOME CONDENSATION SYNDROME; PCC SYNDROME; PREMATURE CHROMOSOME CONDENSATION WITH MICROCEPHALY AND MENTAL RETARDATION. Identifiers: Orphanet 2512, MedGen C1855081, MONDO:0009617, OMIM 251200.

Submissions (2):

GeneReviews
Classification: Pathogenic for Primary Autosomal Recessive Microcephaly. Last evaluated: 2009-09-01. Review status: no assertion criteria provided. Collection method: curation. Allele origin: unknown.
ClinVar note: Converted during submission from pathologic to Pathogenic.

OMIM
Classification: Pathogenic for MICROCEPHALY 1, PRIMARY, AUTOSOMAL RECESSIVE. Last evaluated: 2006-02-01. Review status: no assertion criteria provided. Collection method: literature only. Allele origin: germline.

Literature cited by the submitters: PubMed 16311745 (cited by OMIM).

NC_000008.10:g.(?_6264113)_(6296618_6299587)del

Genes: MCPH1 (microcephalin 1; plus strand), LOC129999781 (ATAC-STARR-seq lymphoblastoid active region 26946; plus strand), LOC129999780 (ATAC-STARR-seq lymphoblastoid silent region 18881; plus strand), LOC123987612 (Sharpr-MPRA regulatory region 14576; plus strand). Cytogenetic location: 8p23.1.
Variant type: Deletion.
Other names: 150-KB DEL; 150-200 kb deletion in MCPH1.
Identifiers: ClinVar variation 3456 (VCV000003456.4).